The following is an entry in ClinVar:

ClinVar aggregate classification (germline): Uncertain significance (1 of 4 stars; one submission).

gnomAD v4.1: 7 of 1,584,890 alleles (0.00044%); highest among the groups gnomAD compares: Non-Finnish European, 0.0006%; no homozygotes.

Submission:

GeneDx
Classification: Uncertain significance. Last evaluated: 2024-02-22. Review status: criteria provided, single submitter. Criteria: GeneDx Variant Classification Process June 2021. Collection method: clinical testing. Allele origin: germline. Affected: yes.
Comment: Not observed at significant frequency in large population cohorts (gnomAD); In silico analysis supports that this missense variant has a deleterious effect on protein structure/function; Has not been previously published as pathogenic or benign to our knowledge; Variants in candidate genes are classified as variants of uncertain significance in accordance with ACMG guidelines (PMID: 25741868)

NM_003400.4(XPO1):c.998A>G (p.His333Arg)

Gene: XPO1 (exportin 1; minus strand). Cytogenetic location: 2p15.
Variant type: single nucleotide variant.
Coding change: c.998A>G on transcript NM_003400.4 (MANE Select); coding-DNA position 998, A replaced by G.
Protein change: p.His333Arg; replaces histidine 333 with arginine.
Molecular consequence: missense variant.
Genome position (GRCh38, 1-based): chr2:61,495,504, T>C on the plus strand (A>G on the coding strand, the complement: XPO1 is on the minus strand). VCF-style: chr2-61495504-T-C. GRCh37 (hg19) VCF-style: chr2-61722639-T-C.
Other names: c.998A>G, p.His333Arg (NM_001410799.1); short protein forms H333R.
Identifiers: ClinVar variation 4076637 (VCV004076637.1).